The following is an entry in ClinVar:

ClinVar aggregate classification (germline): Likely benign. Review status: criteria provided, multiple submitters, no conflicts (2 of 4 stars). 3 submissions from 3 submitters: Likely benign (3). Last evaluated 2025-12-06.

Conditions:
Cardiovascular phenotype. Identifiers: MedGen CN230736.
Long QT syndrome 1 (LQT1). Identifiers: Orphanet 101016, Orphanet 768, MedGen C4551647, MONDO:0100316, OMIM 192500, MONDO:0008646.

Allele frequency attached by ClinVar (database versions not stated): gnomAD exomes below 0.00001 and 0.00002; ExAC 0.00002; gnomAD 0.00003 and 0.00005; TOPMed 0.00003; 1000 Genomes Project 0.00060; 1000 Genomes Project 30x 0.00062.
gnomAD v4.1: 14 of 1,613,412 alleles (0.00087%); highest among the groups gnomAD compares: African/African-American, 0.017%; no homozygotes.

Submissions (3):

Labcorp Genetics (formerly Invitae), Labcorp
Classification: Likely benign for Long QT syndrome 1. Last evaluated: 2025-12-06. Review status: criteria provided, single submitter. Criteria: Invitae Variant Classification Sherloc (09022015). Collection method: clinical testing. Allele origin: germline.

Ambry Genetics
Classification: Likely benign for Cardiovascular phenotype. Last evaluated: 2019-05-24. Review status: criteria provided, single submitter. Criteria: Ambry Variant Classification Scheme 2023. Collection method: clinical testing. Allele origin: germline.

GeneDx
Classification: Likely benign. Last evaluated: 2017-10-09. Review status: criteria provided, single submitter. Criteria: GeneDx Variant Classification (06012015). Collection method: clinical testing. Allele origin: germline. Affected: yes.
Comment: This variant is considered likely benign or benign based on one or more of the following criteria: it is a conservative change, it occurs at a poorly conserved position in the protein, it is predicted to be benign by multiple in silico algorithms, and/or has population frequency not consistent with disease.

NM_001743.6(CALM2):c.348G>A (p.Lys116=)

Gene: CALM2 (calmodulin 2; minus strand). Cytogenetic location: 2p21.
Variant type: single nucleotide variant.
Coding change: c.348G>A on transcript NM_001743.6 (MANE Select); coding-DNA position 348, G replaced by A.
Protein change: p.Lys116=; no amino-acid change (lysine 116 retained).
Molecular consequence: synonymous variant.
Genome position (GRCh38, 1-based): chr2:47,161,796, C>T on the plus strand (G>A on the coding strand, the complement: CALM2 is on the minus strand). VCF-style: chr2-47161796-C-T. GRCh37 (hg19) VCF-style: chr2-47388935-C-T.
Other names: c.492G>A, p.Lys164= (NM_001305624.1); c.240G>A, p.Lys80= (NM_001305625.2, NM_001305626.1).
Identifiers: ClinVar variation 458192 (VCV000458192.13), dbSNP rs546507069, ClinGen allele CA1648543.